The following is an entry in ClinVar:

ClinVar aggregate classification (germline): Uncertain significance (1 of 4 stars; one submission).

Allele frequency attached by ClinVar (database versions not stated): gnomAD exomes 0.00001; ExAC 0.00005; TOPMed 0.00010; gnomAD 0.00011; ESP Exome Variant Server 0.00015.
gnomAD v4.1: 32 of 1,613,676 alleles (0.002%); highest among the groups gnomAD compares: African/African-American, 0.033%; no homozygotes.

Submission:

Labcorp Genetics (formerly Invitae), Labcorp
Classification: Uncertain significance. Last evaluated: 2025-04-22. Review status: criteria provided, single submitter. Criteria: Invitae Variant Classification Sherloc (09022015). Collection method: clinical testing. Allele origin: germline.
Comment: This sequence change replaces threonine, which is neutral and polar, with isoleucine, which is neutral and non-polar, at codon 2693 of the DCHS1 protein (p.Thr2693Ile). This variant is present in population databases (rs374523305, gnomAD 0.04%). This variant has not been reported in the literature in individuals affected with DCHS1-related conditions. ClinVar contains an entry for this variant (Variation ID: 2140561). Invitae Evidence Modeling of protein sequence and biophysical properties (such as structural, functional, and spatial information, amino acid conservation, physicochemical variation, residue mobility, and thermodynamic stability) indicates that this missense variant is not expected to disrupt DCHS1 protein function with a negative predictive value of 80%. In summary, the available evidence is currently insufficient to determine the role of this variant in disease. Therefore, it has been classified as a Variant of Uncertain Significance.

NM_003737.4(DCHS1):c.8078C>T (p.Thr2693Ile)

Gene: DCHS1 (dachsous cadherin-related 1; minus strand). Cytogenetic location: 11p15.4.
Variant type: single nucleotide variant.
Coding change: c.8078C>T on transcript NM_003737.4 (MANE Select); coding-DNA position 8078, C replaced by T.
Protein change: p.Thr2693Ile; replaces threonine 2693 with isoleucine.
Molecular consequence: missense variant.
Genome position (GRCh38, 1-based): chr11:6,623,598, G>A on the plus strand (C>T on the coding strand, the complement: DCHS1 is on the minus strand). VCF-style: chr11-6623598-G-A. GRCh37 (hg19) VCF-style: chr11-6644829-G-A.
Other names: short protein forms T2693I.
Identifiers: ClinVar variation 2140561 (VCV002140561.3), dbSNP rs374523305, ClinGen allele CA5859489.